The following is an entry in ClinVar:

ClinVar aggregate classification (germline): Uncertain significance. Review status: criteria provided, multiple submitters, no conflicts (2 of 4 stars). 2 submissions from 2 submitters: Uncertain significance (2). Last evaluated 2023-03-12.

Allele frequency attached by ClinVar (database versions not stated): gnomAD exomes below 0.00001; TOPMed below 0.00001.

Submissions (2):

Ambry Genetics
Classification: Uncertain significance. Last evaluated: 2023-03-12. Review status: criteria provided, single submitter. Criteria: Ambry Variant Classification Scheme 2023. Collection method: clinical testing. Allele origin: germline.
Comment: The p.L1270V variant (also known as c.3808C>G), located in coding exon 34 of the IKBKAP gene, results from a C to G substitution at nucleotide position 3808. The leucine at codon 1270 is replaced by valine, an amino acid with highly similar properties. This amino acid position is conserved. In addition, this alteration is predicted to be tolerated by in silico analysis. Since supporting evidence is limited at this time, the clinical significance of this alteration remains unclear.

Labcorp Genetics (formerly Invitae), Labcorp
Classification: Uncertain significance. Last evaluated: 2022-01-11. Review status: criteria provided, single submitter. Criteria: Invitae Variant Classification Sherloc (09022015). Collection method: clinical testing. Allele origin: germline.
Comment: This sequence change replaces leucine, which is neutral and non-polar, with valine, which is neutral and non-polar, at codon 1270 of the ELP1 protein (p.Leu1270Val). This variant is not present in population databases (gnomAD no frequency). This variant has not been reported in the literature in individuals affected with ELP1-related conditions. Algorithms developed to predict the effect of missense changes on protein structure and function output the following: SIFT: "Tolerated"; PolyPhen-2: "Benign"; Align-GVGD: "Class C0". The valine amino acid residue is found in multiple mammalian species, which suggests that this missense change does not adversely affect protein function. Algorithms developed to predict the effect of sequence changes on RNA splicing suggest that this variant may create or strengthen a splice site. In summary, the available evidence is currently insufficient to determine the role of this variant in disease. Therefore, it has been classified as a Variant of Uncertain Significance.

NM_003640.5(ELP1):c.3808C>G (p.Leu1270Val)

Gene: ELP1 (elongator acetyltransferase complex subunit 1; minus strand). Cytogenetic location: 9q31.3.
Variant type: single nucleotide variant.
Coding change: c.3808C>G on transcript NM_003640.5 (MANE Select); coding-DNA position 3808, C replaced by G.
Protein change: p.Leu1270Val; replaces leucine 1270 with valine.
Molecular consequence: missense variant.
Genome position (GRCh38, 1-based): chr9:108,878,042, G>C on the plus strand (C>G on the coding strand, the complement: ELP1 is on the minus strand). VCF-style: chr9-108878042-G-C. GRCh37 (hg19) VCF-style: chr9-111640322-G-C.
Other names: c.3466C>G, p.Leu1156Val (NM_001318360.2); c.2761C>G, p.Leu921Val (NM_001330749.2); short protein forms L1156V, L1270V, L921V.
Identifiers: ClinVar variation 1925002 (VCV001925002.4), dbSNP rs1827766867, ClinGen allele CA374410615.
Genomic context (GRCh38, chr9:108,878,042, plus strand): 5'-TGAGAAAACTTACCGGGGTAGCTGAATTCTGCTGGTAAGTAAGAGTCCAAATTTCTGGAA[G>C]TGACCTTTCCATCAACTGCAGCGTATCTTCAAAGGCCTTCTGTAATTCCCTTCCTTGTTC-3'
Protein context (NP_003631.2, residues 1260-1280): EDTLQLMERS[Leu1270Val]PEIWTLTYQQ